The following is an entry in ClinVar:

NM_001283009.2(RTEL1):c.3788A>G (p.Gln1263Arg)

Genes: RTEL1 (regulator of telomere elongation helicase 1; plus strand), RTEL1-TNFRSF6B (RTEL1-TNFRSF6B readthrough (NMD candidate); plus strand). Cytogenetic location: 20q13.33.
Variant type: single nucleotide variant.
Coding change: c.3788A>G on transcript NM_001283009.2 (MANE Select); coding-DNA position 3788, A replaced by G.
Protein change: p.Gln1263Arg; replaces glutamine 1263 with arginine.
Molecular consequence: missense variant. On other transcripts: non-coding transcript variant (1), intron variant (3).
Genome position (GRCh38, 1-based): chr20:63,695,616, A>G. VCF-style: chr20-63695616-A-G. GRCh37 (hg19) VCF-style: chr20-62326969-A-G.
Other names: c.2983+136A>G (NM_001283010.1); c.3724+136A>G (NM_032957.5); c.3652+136A>G (NM_016434.4); short protein forms Q1263R.
Identifiers: ClinVar variation 5028476 (VCV005028476.1).

ClinVar aggregate classification (germline): Uncertain significance (1 of 4 stars; one submission).

Conditions:
Inborn genetic diseases. Identifiers: MedGen C0950123, MeSH D030342.

gnomAD v4.1: 1 of 1,611,762 alleles (0.000062%); highest among the groups gnomAD compares: Non-Finnish European, 0.000085%; no homozygotes.

Submission:

Ambry Genetics
Classification: Uncertain significance for Inborn genetic diseases. Last evaluated: 2026-07-05. Review status: criteria provided, single submitter. Criteria: Ambry Variant Classification Scheme 2023. Collection method: clinical testing. Allele origin: germline.
Comment: The p.Q1263R variant (also known as c.3788A>G), located in coding exon 33 of the RTEL1 gene, results from an A to G substitution at nucleotide position 3788. The glutamine at codon 1263 is replaced by arginine, an amino acid with highly similar properties. This amino acid position is conserved. In addition, this alteration is predicted to be tolerated by in silico analysis. Based on the available evidence, the clinical significance of this variant remains unclear.